The following is an entry in ClinVar:

ClinVar aggregate classification (germline): Uncertain significance (1 of 4 stars; one submission).

Conditions:
DICER1-related tumor predisposition. Also called: DICER1 syndrome; DICER1-related pleuropulmonary blastoma cancer predisposition syndrome. Identifiers: Orphanet 284343, MedGen C3839822, MONDO:0100216.

Submission:

Labcorp Genetics (formerly Invitae), Labcorp
Classification: Uncertain significance for DICER1-related tumor predisposition. Last evaluated: 2020-07-27. Review status: criteria provided, single submitter. Criteria: Invitae Variant Classification Sherloc (09022015). Collection method: clinical testing. Allele origin: germline.
Comment: This variant is not present in population databases (ExAC no frequency). This variant has not been reported in the literature in individuals with DICER1-related conditions. Algorithms developed to predict the effect of missense changes on protein structure and function (SIFT, PolyPhen-2, Align-GVGD) all suggest that this variant is likely to be disruptive, but these predictions have not been confirmed by published functional studies and their clinical significance is uncertain. In summary, the available evidence is currently insufficient to determine the role of this variant in disease. Therefore, it has been classified as a Variant of Uncertain Significance. This sequence change replaces aspartic acid with alanine at codon 1337 of the DICER1 protein (p.Asp1337Ala). The aspartic acid residue is highly conserved and there is a moderate physicochemical difference between aspartic acid and alanine.

NM_177438.3(DICER1):c.4010A>C (p.Asp1337Ala)

Gene: DICER1 (dicer 1, ribonuclease III; minus strand). Cytogenetic location: 14q32.13.
Variant type: single nucleotide variant.
Coding change: c.4010A>C on transcript NM_177438.3 (MANE Select); coding-DNA position 4010, A replaced by C.
Protein change: p.Asp1337Ala; replaces aspartic acid 1337 with alanine.
Molecular consequence: missense variant.
Genome position (GRCh38, 1-based): chr14:95,103,386, T>G on the plus strand (A>C on the coding strand, the complement: DICER1 is on the minus strand). VCF-style: chr14-95103386-T-G. GRCh37 (hg19) VCF-style: chr14-95569723-T-G.
Other names: c.4010A>C, p.Asp1337Ala (NM_001195573.1, NM_001271282.3, NM_001291628.2 and 1 more transcripts); short protein forms D1337A.
Identifiers: ClinVar variation 1037072 (VCV001037072.10), dbSNP rs1891070773, ClinGen allele CA390872964.